The following is an entry in ClinVar:

ClinVar aggregate classification (germline): Uncertain significance (1 of 4 stars; one submission).

gnomAD v4.1: 1 of 1,612,156 alleles (0.000062%); highest among the groups gnomAD compares: Admixed American, 0.0017%; no homozygotes.

Submission:

GeneDx
Classification: Uncertain significance. Last evaluated: 2024-09-11. Review status: criteria provided, single submitter. Criteria: GeneDx Variant Classification Process June 2021. Collection method: clinical testing. Allele origin: germline. Affected: yes.
Comment: Not observed at significant frequency in large population cohorts (gnomAD); In silico analysis indicates that this missense variant does not alter protein structure/function; Has not been previously published as pathogenic or benign to our knowledge

NM_002936.6(RNASEH1):c.369G>T (p.Glu123Asp)

Gene: RNASEH1 (ribonuclease H1; minus strand). Cytogenetic location: 2p25.3.
Variant type: single nucleotide variant.
Coding change: c.369G>T on transcript NM_002936.6 (MANE Select); coding-DNA position 369, G replaced by T.
Protein change: p.Glu123Asp; replaces glutamic acid 123 with aspartic acid.
Molecular consequence: missense variant. On other transcripts: non-coding transcript variant (7).
Genome position (GRCh38, 1-based): chr2:3,552,184, C>A on the plus strand (G>T on the coding strand, the complement: RNASEH1 is on the minus strand). VCF-style: chr2-3552184-C-A. GRCh37 (hg19) VCF-style: chr2-3599774-C-A.
Other names: c.291G>T, p.Glu97Asp (NM_001286834.3); c.18G>T, p.Glu6Asp (NM_001286837.3); c.369G>T, p.Glu123Asp (NM_001378271.1, NM_001378272.1, NM_001378273.1); short protein forms E123D, E6D, E97D.
Identifiers: ClinVar variation 3769935 (VCV003769935.1).